The following is an entry in ClinVar:

ClinVar aggregate classification (germline): Uncertain significance. Review status: criteria provided, multiple submitters, no conflicts (2 of 4 stars). 2 submissions from 2 submitters: Uncertain significance (2). Last evaluated 2024-12-10.

Conditions:
Hereditary breast ovarian cancer syndrome. Also called: Hereditary breast and ovarian cancer; Hereditary breast and ovarian cancer syndrome (HBOC); BRCA1- and BRCA2-Associated Hereditary Breast and Ovarian Cancer; Hereditary breast and ovarian cancer syndrome; Hereditary breast and/or ovarian cancer syndrome; Breast and ovarian cancer. Identifiers: Orphanet 145, MedGen C0677776, MeSH D061325, MONDO:0003582. Disease mechanism: loss of function.
Hereditary cancer-predisposing syndrome. Also called: Hereditary Cancer Syndrome; Tumor predisposition; Hereditary neoplastic syndrome; Neoplastic Syndromes, Hereditary. Identifiers: Orphanet 140162, MedGen C0027672, MeSH D009386, MONDO:0015356.

Submissions (2):

Labcorp Genetics (formerly Invitae), Labcorp
Classification: Uncertain significance for Hereditary breast ovarian cancer syndrome. Last evaluated: 2024-12-10. Review status: criteria provided, single submitter. Criteria: Invitae Variant Classification Sherloc (09022015). Collection method: clinical testing. Allele origin: germline.
Comment: This sequence change replaces histidine, which is basic and polar, with glutamine, which is neutral and polar, at codon 1006 of the BRCA1 protein (p.His1006Gln). This variant is not present in population databases (gnomAD no frequency). This variant has not been reported in the literature in individuals affected with BRCA1-related conditions. Invitae Evidence Modeling of protein sequence and biophysical properties (such as structural, functional, and spatial information, amino acid conservation, physicochemical variation, residue mobility, and thermodynamic stability) indicates that this missense variant is not expected to disrupt BRCA1 protein function with a negative predictive value of 80%. In summary, the available evidence is currently insufficient to determine the role of this variant in disease. Therefore, it has been classified as a Variant of Uncertain Significance.

Ambry Genetics
Classification: Uncertain significance for Hereditary cancer-predisposing syndrome. Last evaluated: 2024-03-24. Review status: criteria provided, single submitter. Criteria: Ambry Variant Classification Scheme 2023. Collection method: clinical testing. Allele origin: germline.
Comment: The p.H1006Q variant (also known as c.3018T>G), located in coding exon 9 of the BRCA1 gene, results from a T to G substitution at nucleotide position 3018. The histidine at codon 1006 is replaced by glutamine, an amino acid with highly similar properties. This amino acid position is not well conserved in available vertebrate species. In addition, the in silico prediction for this alteration is inconclusive. Based on the available evidence, the clinical significance of this alteration remains unclear.

NM_007294.4(BRCA1):c.3018T>G (p.His1006Gln)

Gene: BRCA1 (BRCA1 DNA repair associated; minus strand). Cytogenetic location: 17q21.31.
Variant type: single nucleotide variant.
Coding change: c.3018T>G on transcript NM_007294.4 (MANE Select); coding-DNA position 3018, T replaced by G.
Protein change: p.His1006Gln; replaces histidine 1006 with glutamine.
Molecular consequence: missense variant. On other transcripts: intron variant (137).
Genome position (GRCh38, 1-based): chr17:43,092,513, A>C on the plus strand (T>G on the coding strand, the complement: BRCA1 is on the minus strand). VCF-style: chr17-43092513-A-C. GRCh37 (hg19) VCF-style: chr17-41244530-A-C.
Other names: c.2874T>G, p.His958Gln (NM_001407943.1, NM_001407740.1, NM_001407741.1 and 20 more transcripts); c.2877T>G, p.His959Gln (NM_001407944.1, NM_001407945.1, NM_001407692.1 and 29 more transcripts); c.2685T>G, p.His895Gln (NM_001407946.1, NM_001407947.1, NM_001407951.1 and 6 more transcripts); c.3018T>G, p.His1006Gln (NM_001407581.1, NM_001407582.1, NM_001407583.1 and 30 more transcripts); c.2805T>G, p.His935Gln (NM_001407571.1, NM_001407853.1, NM_001407894.1 and 9 more transcripts); c.3015T>G, p.His1005Gln (NM_001407587.1, NM_001407860.1, NM_001407861.1 and 22 more transcripts); c.2895T>G, p.His965Gln (NM_001407664.1, NM_001407665.1, NM_001407666.1 and 19 more transcripts); c.2892T>G, p.His964Gln (NM_001407670.1, NM_001407671.1, NM_001407672.1 and 11 more transcripts); and 41 more; short protein forms H878Q, H894Q, H935Q, H965Q, H1003Q, H879Q, H917Q, H938Q.
Identifiers: ClinVar variation 3261448 (VCV003261448.3).
Genomic context (GRCh38, chr17:43,092,513, plus strand): 5'-AATTGTGCTCACTGTACTTGGAATGTTCTCATTTCCCATTTCTCTTTCAGGTGACATTGA[A>C]TGTTCCTCAAAGTTTTCCTCTAGCAGATTTTTCTTACATTTAGTTTTAACAAATGACTTG-3'
Protein context (NP_009225.1, residues 996-1016): KNLLEENFEE[His1006Gln]SMSPEREMGN